The following is an entry in ClinVar:

NM_001330078.2(NRXN1):c.2887C>T (p.His963Tyr)

Gene: NRXN1 (neurexin 1; minus strand). Cytogenetic location: 2p16.3.
Variant type: single nucleotide variant.
Coding change: c.2887C>T on transcript NM_001330078.2 (MANE Select); coding-DNA position 2887, C replaced by T.
Protein change: p.His963Tyr; replaces histidine 963 with tyrosine.
Molecular consequence: missense variant.
Genome position (GRCh38, 1-based): chr2:50,496,088, G>A on the plus strand (C>T on the coding strand, the complement: NRXN1 is on the minus strand). VCF-style: chr2-50496088-G-A. GRCh37 (hg19) VCF-style: chr2-50723226-G-A.
Other names: c.2776C>T, p.His926Tyr (NM_001330087.2, NM_001330096.2); c.2806C>T, p.His936Tyr (NM_001330088.2); c.2884C>T, p.His962Tyr (NM_001330093.2); c.2875C>T, p.His959Tyr (NM_001330094.2); c.2836C>T, p.His946Tyr (NM_001330095.2); c.2887C>T, p.His963Tyr (NM_004801.6, NM_001330086.2); c.3007C>T, p.His1003Tyr (NM_001135659.3); c.2863C>T, p.His955Tyr (NM_001330077.2, NM_001330082.2); and 2 more; short protein forms H926Y, H946Y, H955Y, H1003Y, H954Y, H959Y, H936Y, H941Y.
Identifiers: ClinVar variation 4770191 (VCV004770191.1).
Genomic context (GRCh38, chr2:50,496,088, plus strand): 5'-GAGGTTTATTTGAGCTTCCTTTGATGAGGTTAGCACCATTTCCCAAATCAAACACGTAAT[G>A]TAAGTACCTGGGAAAAAAATGAAAGAGGGGAAAGTGCCATCACTTTTTAAATTTTGATGA-3'
Protein context (NP_001317007.1, residues 953-973): IVVELVKGYL[His963Tyr]YVFDLGNGAN

ClinVar aggregate classification (germline): Uncertain significance (1 of 4 stars; one submission).

Conditions:
Pitt-Hopkins-like syndrome 2 (PTHSL2). Identifiers: Orphanet 221150, Orphanet 600663, MedGen C3280479, MONDO:0013690, OMIM 614325.

Submission:

Labcorp Genetics (formerly Invitae), Labcorp
Classification: Uncertain significance for Pitt-Hopkins-like syndrome 2. Last evaluated: 2025-10-27. Review status: criteria provided, single submitter. Criteria: Invitae Variant Classification Sherloc (09022015). Collection method: clinical testing. Allele origin: germline.
Comment: This sequence change replaces histidine, which is basic and polar, with tyrosine, which is neutral and polar, at codon 1003 of the NRXN1 protein (p.His1003Tyr). This variant is not present in population databases (gnomAD no frequency). This variant has not been reported in the literature in individuals affected with NRXN1-related conditions. An algorithm developed to predict the effect of missense changes on protein structure and function (PolyPhen-2) suggests that this variant is likely to be disruptive. In summary, the available evidence is currently insufficient to determine the role of this variant in disease. Therefore, it has been classified as a Variant of Uncertain Significance.